The following is an entry in ClinVar:

ClinVar aggregate classification (germline): Uncertain significance. Review status: criteria provided, multiple submitters, no conflicts (2 of 4 stars). 4 submissions from 4 submitters: Uncertain significance (3). 1 of the submissions does not count toward it. Last evaluated 2026-02-17.

Conditions:
Glycogen storage disease, type V (GSD5). Also called: McArdle type glycogen storage disease; MCARDLE DISEASE; MUSCLE GLYCOGEN PHOSPHORYLASE DEFICIENCY; MYOPHOSPHORYLASE DEFICIENCY; PYGM DEFICIENCY. Identifiers: Orphanet 368, MedGen C0017924, MONDO:0009293, OMIM 232600.

Allele frequency attached by ClinVar (database versions not stated): TOPMed 0.00007.
gnomAD v4.1: 14 of 1,608,344 alleles (0.00087%); highest among the groups gnomAD compares: African/African-American, 0.0027%; no homozygotes.

Submissions (4):

Women's Health and Genetics/Laboratory Corporation of America, LabCorp
Classification: Uncertain significance. Last evaluated: 2026-02-17. Review status: criteria provided, single submitter. Criteria: LabCorp Variant Classification Summary - May 2015. Collection method: clinical testing. Allele origin: germline.
Comment: Variant summary: PYGM c.1282C>T (p.Arg428Cys) results in a non-conservative amino acid change in the encoded protein sequence. Algorithms developed to predict the effect of missense changes on protein structure and function all suggest that this variant is likely to be disruptive. The variant allele was found at a frequency of 4.2e-06 in 236052 control chromosomes. The available data on variant occurrences in the general population are insufficient to allow any conclusion about variant significance. c.1282C>T has been reported in 2 alleles from a cohort of individuals affected with Glycogen Storage Disease, Type V, however no further information was provided (Bruno_2006). This report does not provide unequivocal conclusions about association of the variant with Glycogen Storage Disease, Type V. To our knowledge, no experimental evidence demonstrating an impact on protein function has been reported. The following publication has been ascertained in the context of this evaluation (PMID: 16786513). ClinVar contains an entry for this variant (Variation ID: 554926). Based on the evidence outlined above, the variant was classified as uncertain significance.

Revvity Omics, Revvity
Classification: Uncertain significance for Glycogen storage disease, type V. Last evaluated: 2023-09-27. Review status: criteria provided, single submitter. Criteria: ACMG Guidelines, 2015. Collection method: clinical testing. Allele origin: germline.

Fulgent Genetics
Classification: Uncertain significance for Glycogen storage disease, type V. Last evaluated: 2022-01-28. Review status: criteria provided, single submitter. Criteria: ACMG Guidelines, 2015. Collection method: clinical testing. Allele origin: unknown.

Counsyl
Classification: Uncertain significance for Glycogen storage disease, type V. Last evaluated: 2017-11-08. Review status: no assertion criteria provided. Collection method: clinical testing. Allele origin: unknown. Not counted in ClinVar's aggregate classification.

Literature cited by the submitters: PubMed 16786513 (cited by Women's Health and Genetics/Laboratory Corporation of America, LabCorp and Counsyl).

NM_005609.4(PYGM):c.1282C>T (p.Arg428Cys)

Gene: PYGM (glycogen phosphorylase, muscle associated; minus strand). Cytogenetic location: 11q13.1.
Variant type: single nucleotide variant.
Coding change: c.1282C>T on transcript NM_005609.4 (MANE Select); coding-DNA position 1282, C replaced by T.
Protein change: p.Arg428Cys; replaces arginine 428 with cysteine.
Molecular consequence: missense variant.
Genome position (GRCh38, 1-based): chr11:64,753,640, G>A on the plus strand (C>T on the coding strand, the complement: PYGM is on the minus strand). VCF-style: chr11-64753640-G-A. GRCh37 (hg19) VCF-style: chr11-64521112-G-A.
Other names: c.1018C>T, p.Arg340Cys (NM_001164716.1); short protein forms R428C, R340C.
Identifiers: ClinVar variation 554926 (VCV000554926.5), dbSNP rs750700202, ClinGen allele CA223900355.